The following is an entry in ClinVar:

ClinVar aggregate classification (germline): Uncertain significance. Review status: criteria provided, multiple submitters, no conflicts (2 of 4 stars). 2 submissions from 2 submitters: Uncertain significance (2). Last evaluated 2025-12-11.

Conditions:
Inborn genetic diseases. Identifiers: MedGen C0950123, MeSH D030342.

Allele frequency attached by ClinVar (database versions not stated): gnomAD 0.00001; gnomAD exomes 0.00001.
gnomAD v4.1: 5 of 1,613,902 alleles (0.00031%); highest among the groups gnomAD compares: East Asian, 0.0067%; no homozygotes.

Submissions (2):

Ambry Genetics
Classification: Uncertain significance for Inborn genetic diseases. Last evaluated: 2025-12-11. Review status: criteria provided, single submitter. Criteria: Ambry Variant Classification Scheme 2023. Collection method: clinical testing. Allele origin: germline.

Labcorp Genetics (formerly Invitae), Labcorp
Classification: Uncertain significance. Last evaluated: 2022-07-12. Review status: criteria provided, single submitter. Criteria: Invitae Variant Classification Sherloc (09022015). Collection method: clinical testing. Allele origin: germline.
Comment: This sequence change replaces isoleucine, which is neutral and non-polar, with valine, which is neutral and non-polar, at codon 4500 of the LRP2 protein (p.Ile4500Val). The frequency data for this variant in the population databases is considered unreliable, as metrics indicate poor data quality at this position in the gnomAD database. This variant has not been reported in the literature in individuals affected with LRP2-related conditions. Advanced modeling of protein sequence and biophysical properties (such as structural, functional, and spatial information, amino acid conservation, physicochemical variation, residue mobility, and thermodynamic stability) performed at Invitae indicates that this missense variant is not expected to disrupt LRP2 protein function. In summary, the available evidence is currently insufficient to determine the role of this variant in disease. Therefore, it has been classified as a Variant of Uncertain Significance.

NM_004525.3(LRP2):c.13498A>G (p.Ile4500Val)

Gene: LRP2 (LDL receptor related protein 2; minus strand). Cytogenetic location: 2q31.1.
Variant type: single nucleotide variant.
Coding change: c.13498A>G on transcript NM_004525.3 (MANE Select); coding-DNA position 13498, A replaced by G.
Protein change: p.Ile4500Val; replaces isoleucine 4500 with valine.
Molecular consequence: missense variant.
Genome position (GRCh38, 1-based): chr2:169,138,597, T>C on the plus strand (A>G on the coding strand, the complement: LRP2 is on the minus strand). VCF-style: chr2-169138597-T-C. GRCh37 (hg19) VCF-style: chr2-169995107-T-C.
Other names: c.13498A>G (NM_004525.2); short protein forms I4500V.
Identifiers: ClinVar variation 1958762 (VCV001958762.3), dbSNP rs1421628556, ClinGen allele CA349154757.
Genomic context (GRCh38, chr2:169,138,597, plus strand): 5'-AATGACAACCTTCAAATAATCATTTTGAAACCATACTCACCATTGCCATTGACCTGTCAA[T>C]AGCAGTCTCAGGTCCAAAACCAGACACTCCAATATCCATGTTAAGATCTGCCCCTGATCT-3'
Protein context (NP_004516.2, residues 4490-4510): GVSGFGPETA[Ile4500Val]DRSMAMSEDF